The following is an entry in ClinVar:

NM_001369.3(DNAH5):c.9373+1G>T

Gene: DNAH5 (dynein axonemal heavy chain 5; minus strand). Cytogenetic location: 5p15.2.
Variant type: single nucleotide variant.
Coding change: c.9373+1G>T on transcript NM_001369.3 (MANE Select); the canonical splice donor site of the intron after coding-DNA position 9373, G replaced by T.
Molecular consequence: splice donor variant.
Genome position (GRCh38, 1-based): chr5:13,776,438, C>A on the plus strand (G>T on the coding strand, the complement: DNAH5 is on the minus strand). VCF-style: chr5-13776438-C-A. GRCh37 (hg19) VCF-style: chr5-13776547-C-A.
Identifiers: ClinVar variation 2123133 (VCV002123133.4), dbSNP rs1754098584, ClinGen allele CA359207658.
Genomic context (GRCh38, chr5:13,776,438, plus strand): 5'-CTGAAAGAACTAGAATCCTTGAACACATGTTATGCCCTGGCATAAACATTTCCATACTAA[C>A]CAGCAACTAAAGCATCTTTGGGCCATCGGCTGAACCAGTCAATTGTGCATCCTGAAATTA-3'

ClinVar aggregate classification (germline): Likely pathogenic (1 of 4 stars; one submission).

Conditions:
Primary ciliary dyskinesia. Also called: Ciliary dyskinesia. Identifiers: Orphanet 244, MedGen C0008780, MONDO:0016575, HP:0012265.

Submission:

Labcorp Genetics (formerly Invitae), Labcorp
Classification: Likely pathogenic for Primary ciliary dyskinesia. Last evaluated: 2022-04-08. Review status: criteria provided, single submitter. Criteria: Invitae Variant Classification Sherloc (09022015). Collection method: clinical testing. Allele origin: germline.
Comment: In summary, the currently available evidence indicates that the variant is pathogenic, but additional data are needed to prove that conclusively. Therefore, this variant has been classified as Likely Pathogenic. Algorithms developed to predict the effect of sequence changes on RNA splicing suggest that this variant may disrupt the consensus splice site. This variant has not been reported in the literature in individuals affected with DNAH5-related conditions. This variant is not present in population databases (gnomAD no frequency). This sequence change affects a donor splice site in intron 55 of the DNAH5 gene. It is expected to disrupt RNA splicing. Variants that disrupt the donor or acceptor splice site typically lead to a loss of protein function (PMID: 16199547), and loss-of-function variants in DNAH5 are known to be pathogenic (PMID: 11788826, 16627867).

Literature cited by the submitters: PubMed 16199547; PubMed 11788826; PubMed 16627867.